The following is an entry in ClinVar:

ClinVar aggregate classification (germline): Uncertain significance. Review status: criteria provided, multiple submitters, no conflicts (2 of 4 stars). 2 submissions from 2 submitters: Uncertain significance (2). Last evaluated 2025-06-12.

Conditions:
Woodhouse-Sakati syndrome. Also called: Hypogonadism, Alopecia, Diabetes Mellitus, Mental Retardation, and Extrapyramidal Syndrome; Hypogonadism, diabetes mellitus, alopecia, mental retardation and electrocardiographic abnormalities; EXTRAPYRAMIDAL DISORDER, PROGRESSIVE, WITH PRIMARY HYPOGONADISM, MENTAL RETARDATION, AND ALOPECIA. Identifiers: Orphanet 3464, MedGen C0342286, MONDO:0009419, OMIM 241080.
Inborn genetic diseases. Identifiers: MedGen C0950123, MeSH D030342.

Allele frequency attached by ClinVar (database versions not stated): gnomAD 0.00003; TOPMed 0.00002.
gnomAD v4.1: 33 of 1,535,096 alleles (0.0021%); highest among the groups gnomAD compares: Admixed American, 0.014%; no homozygotes.

Submissions (2):

Ambry Genetics
Classification: Uncertain significance for Inborn genetic diseases. Last evaluated: 2025-06-12. Review status: criteria provided, single submitter. Criteria: Ambry Variant Classification Scheme 2023. Collection method: clinical testing. Allele origin: germline.

Labcorp Genetics (formerly Invitae), Labcorp
Classification: Uncertain significance for Woodhouse-Sakati syndrome. Last evaluated: 2022-06-11. Review status: criteria provided, single submitter. Criteria: Invitae Variant Classification Sherloc (09022015). Collection method: clinical testing. Allele origin: germline.
Comment: This sequence change replaces valine, which is neutral and non-polar, with glycine, which is neutral and non-polar, at codon 27 of the DCAF17 protein (p.Val27Gly). This variant is present in population databases (rs769229427, gnomAD 0.02%). This variant has not been reported in the literature in individuals affected with DCAF17-related conditions. Algorithms developed to predict the effect of missense changes on protein structure and function (SIFT, PolyPhen-2, Align-GVGD) all suggest that this variant is likely to be tolerated. In summary, the available evidence is currently insufficient to determine the role of this variant in disease. Therefore, it has been classified as a Variant of Uncertain Significance.

NM_025000.4(DCAF17):c.80T>G (p.Val27Gly)

Genes: DCAF17 (DDB1 and CUL4 associated factor 17; plus strand), METTL8 (methyltransferase 8, tRNA N3-cytidine; minus strand). Cytogenetic location: 2q31.1.
Variant type: single nucleotide variant.
Coding change: c.80T>G on transcript NM_025000.4 (MANE Select); coding-DNA position 80, T replaced by G.
Protein change: p.Val27Gly; replaces valine 27 with glycine.
Molecular consequence: missense variant. On other transcripts: non-coding transcript variant (1), intron variant (4).
Genome position (GRCh38, 1-based): chr2:171,434,657, T>G. VCF-style: chr2-171434657-T-G. GRCh37 (hg19) VCF-style: chr2-172291167-T-G.
Other names: c.80T>G, p.Val27Gly (NM_001164821.2); c.8+17A>C (NM_001321161.2, NM_001321158.2, NM_001321157.2); c.-13+17A>C (NM_024770.5); short protein forms V27G.
Identifiers: ClinVar variation 2415743 (VCV002415743.42), dbSNP rs769229427, ClinGen allele CA1964541.
Genomic context (GRCh38, chr2:171,434,657, plus strand): 5'-CCAACGTGTGCAGCCGGCTGAGTCGCCGGGCGCTGGGCTGCTTCTCGCGCGACGCAGGCG[T>G]GGTGCAGAGGACCAACCTGGGCATCCTGCGGGCGCTGGTGTGCCAGGTGACCGCCAGCCG-3'
Protein context (NP_079276.2, residues 17-37): ALGCFSRDAG[Val27Gly]VQRTNLGILR